The following is an entry in ClinVar:

NM_170606.3(KMT2C):c.14675A>G (p.Asp4892Gly)

Gene: KMT2C (lysine methyltransferase 2C; minus strand). Cytogenetic location: 7q36.1.
Variant type: single nucleotide variant.
Coding change: c.14675A>G on transcript NM_170606.3 (MANE Select); coding-DNA position 14675, A replaced by G.
Protein change: p.Asp4892Gly; replaces aspartic acid 4892 with glycine.
Molecular consequence: missense variant.
Genome position (GRCh38, 1-based): chr7:152,136,893, T>C on the plus strand (A>G on the coding strand, the complement: KMT2C is on the minus strand). VCF-style: chr7-152136893-T-C. GRCh37 (hg19) VCF-style: chr7-151833978-T-C.
Other names: short protein forms D4892G.
Identifiers: ClinVar variation 4076559 (VCV004076559.1).

ClinVar aggregate classification (germline): Uncertain significance (1 of 4 stars; one submission).

Submission:

GeneDx
Classification: Uncertain significance. Last evaluated: 2025-02-25. Review status: criteria provided, single submitter. Criteria: GeneDx Variant Classification Process June 2021. Collection method: clinical testing. Allele origin: germline. Affected: yes.
Comment: Not observed at significant frequency in large population cohorts (gnomAD); In silico analysis supports that this missense variant has a deleterious effect on protein structure/function; In silico analysis supports a deleterious effect on splicing; Has not been previously published as pathogenic or benign to our knowledge; This variant is associated with the following publications: (PMID: 38090150)